The following is an entry in ClinVar:

NM_001371623.1(TCOF1):c.2332C>T (p.Pro778Ser)

Gene: TCOF1 (treacle ribosome biogenesis factor 1; plus strand). Cytogenetic location: 5q32.
Variant type: single nucleotide variant.
Coding change: c.2332C>T on transcript NM_001371623.1 (MANE Select); coding-DNA position 2332, C replaced by T.
Protein change: p.Pro778Ser; replaces proline 778 with serine.
Molecular consequence: missense variant.
Genome position (GRCh38, 1-based): chr5:150,376,612, C>T. VCF-style: chr5-150376612-C-T. GRCh37 (hg19) VCF-style: chr5-149756175-C-T.
Other names: c.2101C>T, p.Pro701Ser (NM_000356.4, NM_001135245.2); c.2332C>T, p.Pro778Ser (NM_001008657.3, NM_001135243.2, NM_001135244.2 and 1 more transcripts); short protein forms P701S, P778S.
Identifiers: ClinVar variation 800236 (VCV000800236.14), dbSNP rs368225177, ClinGen allele CA3511145.

ClinVar aggregate classification (germline): Benign/Likely benign. Review status: criteria provided, multiple submitters, no conflicts (2 of 4 stars). 5 submissions from 5 submitters: Benign (1); Likely benign (3). 1 of the submissions does not count toward it. Last evaluated 2024-10-22.

Conditions:
TCOF1-related disorder. Also called: TCOF1-related condition.
Inborn genetic diseases. Identifiers: MedGen C0950123, MeSH D030342.
Treacher Collins syndrome 1 (TCS1). Also called: TCOF1-Related Treacher Collins Syndrome. Identifiers: Orphanet 861, MedGen CN315775, MONDO:0007944, OMIM 154500.

Allele frequency attached by ClinVar (database versions not stated): gnomAD exomes 0.00003; ExAC 0.00010; 1000 Genomes Project 0.00020; TOPMed 0.00020; ESP Exome Variant Server 0.00023; gnomAD 0.00023 and 0.00026; 1000 Genomes Project 30x 0.00031.

Submissions (5):

Labcorp Genetics (formerly Invitae), Labcorp
Classification: Likely benign for Treacher Collins syndrome 1. Last evaluated: 2024-10-22. Review status: criteria provided, single submitter. Criteria: Invitae Variant Classification Sherloc (09022015). Collection method: clinical testing. Allele origin: germline.

Blueprint Genetics
Classification: Likely benign. Last evaluated: 2024-09-23. Review status: criteria provided, single submitter. Criteria: ACMG Guidelines, 2015. Collection method: clinical testing. Allele origin: germline.

Ambry Genetics
Classification: Likely benign for Inborn genetic diseases. Last evaluated: 2023-10-28. Review status: criteria provided, single submitter. Criteria: Ambry Variant Classification Scheme 2023. Collection method: clinical testing. Allele origin: germline.

GeneDx
Classification: Benign. Last evaluated: 2019-03-13. Review status: criteria provided, single submitter. Criteria: GeneDx Variant Classification Process June 2021. Collection method: clinical testing. Allele origin: germline. Affected: yes.
Comment: In silico analysis, which includes protein predictors and evolutionary conservation, supports a deleterious effect; Has not been previously published as pathogenic or benign to our knowledge

PreventionGenetics, part of Exact Sciences
Classification: Likely benign for TCOF1-related condition. Last evaluated: 2023-03-06. Review status: no assertion criteria provided. Collection method: clinical testing. Allele origin: germline. Not counted in ClinVar's aggregate classification.
Comment: This variant is classified as likely benign based on ACMG/AMP sequence variant interpretation guidelines (Richards et al. 2015 PMID: 25741868, with internal and published modifications).